The following is an entry in ClinVar:

NM_145698.5(ACBD5):c.352G>T (p.Ala118Ser)

Gene: ACBD5 (acyl-CoA binding domain containing 5; minus strand). Cytogenetic location: 10p12.1.
Variant type: single nucleotide variant.
Coding change: c.352G>T on transcript NM_145698.5 (MANE Select); coding-DNA position 352, G replaced by T.
Protein change: p.Ala118Ser; replaces alanine 118 with serine.
Molecular consequence: missense variant.
Genome position (GRCh38, 1-based): chr10:27,231,771, C>A on the plus strand (G>T on the coding strand, the complement: ACBD5 is on the minus strand). VCF-style: chr10-27231771-C-A. GRCh37 (hg19) VCF-style: chr10-27520700-C-A.
Other names: c.247G>T, p.Ala83Ser (NM_001042473.4, NM_001352574.2, NM_001352575.2 and 6 more transcripts); c.346G>T, p.Ala116Ser (NM_001271512.3, NM_001352571.1, NM_001352586.1 and 1 more transcripts); c.25G>T, p.Ala9Ser (NM_001301251.2, NM_001301252.2, NM_001301253.2 and 4 more transcripts); c.373G>T, p.Ala125Ser (NM_001352568.1, NM_001352572.1); c.352G>T, p.Ala118Ser (NM_001352569.1, NM_001352570.1, NM_001352573.1 and 2 more transcripts); short protein forms A116S, A118S, A125S, A83S, A9S.
Identifiers: ClinVar variation 958073 (VCV000958073.9), dbSNP rs2063898182, ClinGen allele CA376377468.

ClinVar aggregate classification (germline): Uncertain significance (1 of 4 stars; one submission).

Submission:

Labcorp Genetics (formerly Invitae), Labcorp
Classification: Uncertain significance. Last evaluated: 2020-02-24. Review status: criteria provided, single submitter. Criteria: Invitae Variant Classification Sherloc (09022015). Collection method: clinical testing. Allele origin: germline.
Comment: This sequence change replaces alanine with serine at codon 118 of the ACBD5 protein (p.Ala118Ser). The alanine residue is moderately conserved and there is a moderate physicochemical difference between alanine and serine. This variant is not present in population databases (ExAC no frequency). This variant has not been reported in the literature in individuals with ACBD5-related conditions. Algorithms developed to predict the effect of missense changes on protein structure and function are either unavailable or do not agree on the potential impact of this missense change (SIFT: "Tolerated"; PolyPhen-2: "Probably Damaging"; Align-GVGD: "Class C0"). In summary, the available evidence is currently insufficient to determine the role of this variant in disease. Therefore, it has been classified as a Variant of Uncertain Significance.